The following is an entry in ClinVar:

ClinVar aggregate classification (germline): Likely benign (1 of 4 stars; one submission).

Conditions:
LRP5-related disorder. Also called: LRP5-related condition.

gnomAD v4.1: 12 of 985,216 alleles (0.0012%); highest among the groups gnomAD compares: Non-Finnish European, 0.0015%; no homozygotes.

Submission:

PreventionGenetics, part of Exact Sciences
Classification: Likely benign for LRP5-related condition. Last evaluated: 2026-04-23. Review status: criteria provided, single submitter. Criteria: ACMG Guidelines, 2015. Collection method: clinical testing. Allele origin: germline.
Comment: This variant is classified as likely benign based on ACMG/AMP sequence variant interpretation guidelines (Richards et al. 2015 PMID: 25741868, with internal and published modifications).

NM_002335.4(LRP5):c.-25C>G

Gene: LRP5 (LDL receptor related protein 5; plus strand). Cytogenetic location: 11q13.2.
Variant type: single nucleotide variant.
Coding change: c.-25C>G on transcript NM_002335.4 (MANE Select); 25 bases upstream of the start codon, C replaced by G.
Molecular consequence: 5 prime UTR variant.
Genome position (GRCh38, 1-based): chr11:68,312,690, C>G. VCF-style: chr11-68312690-C-G. GRCh37 (hg19) VCF-style: chr11-68080158-C-G.
Other names: c.-1790C>G (NM_001291902.2).
Identifiers: ClinVar variation 4984291 (VCV004984291.1).